The following is an entry in ClinVar:

ClinVar aggregate classification (germline): Likely pathogenic (1 of 4 stars; one submission).

Conditions:
Cardiovascular phenotype. Identifiers: MedGen CN230736.

Submission:

Ambry Genetics
Classification: Likely pathogenic for Cardiovascular phenotype. Last evaluated: 2025-10-16. Review status: criteria provided, single submitter. Criteria: Ambry Variant Classification Scheme 2023. Collection method: clinical testing. Allele origin: germline.
Comment: The c.33829_33832delGAGT variant, located in coding exon 131 of the TTN gene, results from a deletion of 4 nucleotides at nucleotide positions 33829 to 33832, causing a translational frameshift with a predicted alternate stop codon (p.E11277Lfs*11). This exon is located in the A-band region of the N2-B isoform of the titin protein and is constitutively expressed in TTN transcripts (percent spliced in or PSI 100%). This variant is considered to be rare based on population cohorts in the Genome Aggregation Database (gnomAD). This variant is expected to result in loss of function by premature protein truncation or nonsense-mediated mRNA decay. While truncating variants in TTN are present in 1-3% of the general population, truncating variants in the A-band are the most common cause of dilated cardiomyopathy (Herman DS et al. N. Engl. J. Med., 2012 Feb;366:619-28; Roberts AM et al. Sci Transl Med, 2015 Jan;7:270ra6). TTN truncating variants encoded in constitutive exons (PSI >90%) have been found to be significantly associated with DCM regardless of their position in titin (Schafer S et al. Nat. Genet., 2017 01;49:46-53; Akhtar MM et al. Circ Heart Fail, 2020 Oct;13:e006832; Massier M et al. Clin Genet, 2025 Jan). Based on the majority of available evidence to date, this variant is likely to be pathogenic.

NM_001267550.2(TTN):c.61024_61027del (p.Glu20342fs)

Genes: TTN (titin; minus strand), TTN-AS1 (TTN antisense RNA 1; plus strand). Cytogenetic location: 2q31.2.
Variant type: Deletion.
Coding change: c.61024_61027del on transcript NM_001267550.2 (MANE Select); coding-DNA positions 61024 to 61027, 4 bases deleted (GAGT; older notation c.61024_61027delGAGT).
Protein change: p.Glu20342fs; shifts the reading frame from glutamic acid 20342.
Molecular consequence: frameshift variant.
Genome position (GRCh38, 1-based): chr2:178,590,698-178,590,701, ACTC deleted on the plus strand (GAGT on the coding strand, the reverse complement: TTN is on the minus strand); deleting any 4 consecutive bases within chr2:178,590,698-178,590,702 gives the same sequence; the c. name uses the placement nearest the transcript's 3' end. VCF-style (leftmost placement, unchanged base first): chr2-178590697-AACTC-A. GRCh37 (hg19) VCF-style: chr2-179455424-AACTC-A.
Other names: c.33829_33832del, p.Glu11277fs (NM_003319.4); c.53320_53323del, p.Glu17774fs (NM_133378.4); c.34204_34207del, p.Glu11402fs (NM_133432.3); c.34405_34408del, p.Glu11469fs (NM_133437.4); c.33829_33832delGAGT (NM_003319.4); c.56101_56104del, p.Glu18701fs (NM_001256850.1); short protein forms E11277fs, E11469fs, E17774fs, E11402fs, E18701fs, E20342fs.
Identifiers: ClinVar variation 4615323 (VCV004615323.1).